The following is an entry in ClinVar:

NM_003906.5(MCM3AP):c.1957A>T (p.Ser653Cys)

Gene: MCM3AP (minichromosome maintenance complex component 3 associated protein; minus strand). Cytogenetic location: 21q22.3.
Variant type: single nucleotide variant.
Coding change: c.1957A>T on transcript NM_003906.5 (MANE Select); coding-DNA position 1957, A replaced by T.
Protein change: p.Ser653Cys; replaces serine 653 with cysteine.
Molecular consequence: missense variant.
Genome position (GRCh38, 1-based): chr21:46,275,227, T>A on the plus strand (A>T on the coding strand, the complement: MCM3AP is on the minus strand). VCF-style: chr21-46275227-T-A. GRCh37 (hg19) VCF-style: chr21-47695141-T-A.
Other names: short protein forms S653C.
Identifiers: ClinVar variation 1477182 (VCV001477182.8), dbSNP rs2145702316, ClinGen allele CA410526574.

ClinVar aggregate classification (germline): Uncertain significance (1 of 4 stars; one submission).

Submission:

Labcorp Genetics (formerly Invitae), Labcorp
Classification: Uncertain significance. Last evaluated: 2021-07-22. Review status: criteria provided, single submitter. Criteria: Invitae Variant Classification Sherloc (09022015). Collection method: clinical testing. Allele origin: germline.
Comment: In summary, the available evidence is currently insufficient to determine the role of this variant in disease. Therefore, it has been classified as a Variant of Uncertain Significance. Algorithms developed to predict the effect of missense changes on protein structure and function are either unavailable or do not agree on the potential impact of this missense change (SIFT: "Deleterious"; PolyPhen-2: "Possibly Damaging"; Align-GVGD: "Class C15"). This variant has not been reported in the literature in individuals affected with MCM3AP-related conditions. This variant is not present in population databases (ExAC no frequency). This sequence change replaces serine with cysteine at codon 653 of the MCM3AP protein (p.Ser653Cys). The serine residue is moderately conserved and there is a moderate physicochemical difference between serine and cysteine.